The following is an entry in ClinVar:

NM_001114753.3(ENG):c.149C>A (p.Ser50Ter)

Gene: ENG (endoglin; minus strand). Cytogenetic location: 9q34.11.
Variant type: single nucleotide variant.
Coding change: c.149C>A on transcript NM_001114753.3 (MANE Select); coding-DNA position 149, C replaced by A.
Protein change: p.Ser50Ter; replaces serine 50 with a stop codon.
Molecular consequence: nonsense. On other transcripts: 5 prime UTR variant (1).
Genome position (GRCh38, 1-based): chr9:127,843,164, G>T on the plus strand (C>A on the coding strand, the complement: ENG is on the minus strand). VCF-style: chr9-127843164-G-T. GRCh37 (hg19) VCF-style: chr9-130605443-G-T.
Other names: c.149C>A, p.Ser50Ter (NM_000118.4, NM_001406715.1); c.-398C>A (NM_001278138.2); short protein forms S50*.
Identifiers: ClinVar variation 1372050 (VCV001372050.7), dbSNP rs927607049, ClinGen allele CA374989044.
Genomic context (GRCh38, chr9:127,843,164, plus strand): 5'-TCCAGGAAGAGGACATGGACTTCAAGGATGGCATTGGGGGCCTGAGCCACGCAGCCCTTC[G>T]AGACCTGGCTAGTGGTATATGTCACCTCGCCCCTCTCGGGGCCCACAGGCTGAAGGTCAC-3'

ClinVar aggregate classification (germline): Pathogenic (1 of 4 stars; one submission).

Conditions:
Hereditary hemorrhagic telangiectasia (HHT). Also called: ORW DISEASE; Osler Weber Rendu syndrome; OSLER-RENDU-WEBER DISEASE; Osler hemorrhagic telangiectasia syndrome. Identifiers: Orphanet 774, MedGen C0039445, MONDO:0019180. Disease mechanism: loss of function.

Submission:

Labcorp Genetics (formerly Invitae), Labcorp
Classification: Pathogenic for Hereditary hemorrhagic telangiectasia. Last evaluated: 2025-03-26. Review status: criteria provided, single submitter. Criteria: Invitae Variant Classification Sherloc (09022015). Collection method: clinical testing. Allele origin: germline.
Comment: This sequence change creates a premature translational stop signal (p.Ser50*) in the ENG gene. It is expected to result in an absent or disrupted protein product. Loss-of-function variants in ENG are known to be pathogenic (PMID: 15879500). This variant is not present in population databases (gnomAD no frequency). This variant has not been reported in the literature in individuals affected with ENG-related conditions. ClinVar contains an entry for this variant (Variation ID: 1372050). For these reasons, this variant has been classified as Pathogenic.

Literature cited by the submitters: PubMed 15879500.